The following is an entry in ClinVar:

NM_001370259.2(MEN1):c.1602_1618del (p.Ala535fs)

Gene: MEN1 (menin 1; minus strand). Cytogenetic location: 11q13.1.
Variant type: Deletion.
Coding change: c.1602_1618del on transcript NM_001370259.2 (MANE Select); coding-DNA positions 1602 to 1618, 17 bases deleted (GGCTCAGGTGCCAGCAC).
Protein change: p.Ala535fs; shifts the reading frame from alanine 535.
Molecular consequence: frameshift variant.
Genome position (GRCh38, 1-based): chr11:64,804,549-64,804,565, GTGCTGGCACCTGAGCC deleted on the plus strand (GGCTCAGGTGCCAGCAC on the coding strand, the reverse complement: MEN1 is on the minus strand); deleting any 17 consecutive bases within chr11:64,804,549-64,804,571 gives the same sequence; the c. name uses the placement nearest the transcript's 3' end. VCF-style (leftmost placement, unchanged base first): chr11-64804548-GGTGCTGGCACCTGAGCC-G. GRCh37 (hg19) VCF-style: chr11-64572020-GGTGCTGGCACCTGAGCC-G.
Other names: c.1602_1618delGGCTCAGGTGCCAGCAC (NM_130799.2); c.1617_1633del, p.Ala540fs (NM_000244.4, NM_130800.3, NM_130801.3 and 3 more transcripts); c.1728_1744del, p.Ala577fs (NM_001370251.2); c.1602_1618del, p.Ala535fs (NM_001370260.2, NM_001370261.2, NM_130799.3); c.1497_1513del, p.Ala500fs (NM_001370262.2, NM_001370263.2); c.1602_1618del17 (NM_130799.2); short protein forms A577fs, A500fs, A540fs, A535fs.
Identifiers: ClinVar variation 503627 (VCV000503627.4), dbSNP rs794728660, ClinGen allele CA658797660.
Genomic context (GRCh38, chr11:64,804,548, plus strand): 5'-CCCTTCATCTTCTCACTCTGGAAAGTGAGCACTGGACCCTCCGGCGGTGGTGATGCTGTG[GGTGCTGGCACCTGAGCC>G]GTGCTGCCACCTTCAGGGCCTCGGGCTGTGCCAGCGACAGTCCCAGGAGGCTTCCGGGGG-3'

ClinVar aggregate classification (germline): Pathogenic/Likely pathogenic. Review status: criteria provided, multiple submitters, no conflicts (2 of 4 stars). 2 submissions from 2 submitters: Pathogenic (1); Likely pathogenic (1). Last evaluated 2023-09-05.

Conditions:
Hereditary cancer-predisposing syndrome. Also called: Neoplastic Syndromes, Hereditary; Hereditary Cancer Syndrome; Tumor predisposition; Hereditary neoplastic syndrome. Identifiers: Orphanet 140162, MedGen C0027672, MeSH D009386, MONDO:0015356.

Submissions (2):

Ambry Genetics
Classification: Pathogenic for Hereditary cancer-predisposing syndrome. Last evaluated: 2023-09-05. Review status: criteria provided, single submitter. Criteria: Ambry Variant Classification Scheme 2023. Collection method: clinical testing. Allele origin: germline.
Comment: The c.1602_1618del17 pathogenic mutation, located in coding exon 9 of the MEN1 gene, results from a deletion of 17 nucleotides at nucleotide positions 1602 to 1618, causing a translational frameshift with a predicted alternate stop codon (p.A535Rfs*16). This alteration occurs at the 3' terminus of theMEN1 gene, is not expected to trigger nonsense-mediated mRNA decay, and only impacts the last 76 amino acids of the protein. However, premature stop codons are typically deleterious in nature and the impacted region is critical for protein function (Ambry internal data). This alteration has been observed in individuals with a personal and/or family history that is consistent with MEN1-related disease (Isailovic T et al. J Med Biochem. 2019 Mar;38:38-44; Ambry internal data). This variant is considered to be rare based on population cohorts in the Genome Aggregation Database (gnomAD). Based on the supporting evidence, this alteration is interpreted as a disease-causing mutation.

GeneDx
Classification: Likely pathogenic. Last evaluated: 2017-04-14. Review status: criteria provided, single submitter. Criteria: GeneDx Variant Classification (06012015). Collection method: clinical testing. Allele origin: germline. Affected: yes.
Comment: The c.1602_1618del17 variant in the MEN1 gene has not been published as a pathogenic variant, nor has it been reported as a benign variant to our knowledge. This deletion causes a frameshift starting with codon Alanine 535, changes this amino acid to an Arginine residue and creates a premature Stop codon at position 16 of the new reading frame, denoted p.Ala535ArgfsX16. This variant is predicted to cause loss of normal protein function through protein truncation. Based on currently available evidence, c.1602_1618del17 is a strong candidate for a pathogenic variant. However, the possibility that it is a rare benign variant cannot be excluded.

Literature cited by the submitters: PubMed 30820182 (cited by Ambry Genetics).